The following is an entry in ClinVar:

ClinVar aggregate classification (germline): Conflicting classifications of pathogenicity. Review status: criteria provided, conflicting classifications (1 of 4 stars). 2 submissions from 2 submitters: Uncertain significance (1); Likely benign (1). Last evaluated 2022-12-15.

Conditions:
Inborn genetic diseases. Identifiers: MedGen C0950123, MeSH D030342.

Allele frequency attached by ClinVar (database versions not stated): ExAC 0.00001; gnomAD 0.00001; gnomAD exomes 0.00001; TOPMed 0.00001.

Submissions (2):

Ambry Genetics
Classification: Likely benign for Inborn genetic diseases. Last evaluated: 2022-12-15. Review status: criteria provided, single submitter. Criteria: Ambry Variant Classification Scheme 2023. Collection method: clinical testing. Allele origin: germline.

Labcorp Genetics (formerly Invitae), Labcorp
Classification: Uncertain significance. Last evaluated: 2021-08-13. Review status: criteria provided, single submitter. Criteria: Invitae Variant Classification Sherloc (09022015). Collection method: clinical testing. Allele origin: germline.
Comment: This sequence change replaces arginine with tryptophan at codon 2398 of the FRAS1 protein (p.Arg2398Trp). The arginine residue is moderately conserved and there is a moderate physicochemical difference between arginine and tryptophan. This variant is present in population databases (rs750529492, ExAC 0.002%). This missense change has been observed in individual(s) with clinical features of FRAS1-related conditions (Invitae). Algorithms developed to predict the effect of missense changes on protein structure and function output the following: SIFT: "Tolerated"; PolyPhen-2: "Benign"; Align-GVGD: "Class C0". The tryptophan amino acid residue is found in multiple mammalian species, which suggests that this missense change does not adversely affect protein function. In summary, the available evidence is currently insufficient to determine the role of this variant in disease. Therefore, it has been classified as a Variant of Uncertain Significance.

NM_025074.7(FRAS1):c.7192C>T (p.Arg2398Trp)

Gene: FRAS1 (Fraser extracellular matrix complex subunit 1; plus strand). Cytogenetic location: 4q21.21.
Variant type: single nucleotide variant.
Coding change: c.7192C>T on transcript NM_025074.7 (MANE Select); coding-DNA position 7192, C replaced by T.
Protein change: p.Arg2398Trp; replaces arginine 2398 with tryptophan.
Molecular consequence: missense variant.
Genome position (GRCh38, 1-based): chr4:78,466,370, C>T. VCF-style: chr4-78466370-C-T. GRCh37 (hg19) VCF-style: chr4-79387524-C-T.
Other names: c.7192C>T (NM_025074.6); short protein forms R2398W.
Identifiers: ClinVar variation 1010680 (VCV001010680.6), dbSNP rs750529492, ClinGen allele CA2978010.